The following is an entry in ClinVar:

NM_001370259.2(MEN1):c.441C>A (p.Ile147=)

Gene: MEN1 (menin 1; minus strand). Cytogenetic location: 11q13.1.
Variant type: single nucleotide variant.
Coding change: c.441C>A on transcript NM_001370259.2 (MANE Select); coding-DNA position 441, C replaced by A.
Protein change: p.Ile147=; no amino-acid change (isoleucine 147 retained).
Molecular consequence: synonymous variant. On other transcripts: non-coding transcript variant (4).
Genome position (GRCh38, 1-based): chr11:64,809,669, G>T on the plus strand (C>A on the coding strand, the complement: MEN1 is on the minus strand). VCF-style: chr11-64809669-G-T. GRCh37 (hg19) VCF-style: chr11-64577141-G-T.
Other names: c.441C>A, p.Ile147= (NM_000244.4, NM_001370251.2, NM_001370260.2 and 20 more transcripts).
Identifiers: ClinVar variation 3075131 (VCV003075131.1), dbSNP rs878855193, ClinGen allele CA474983856.

ClinVar aggregate classification (germline): Likely benign (1 of 4 stars; one submission).

Conditions:
Multiple endocrine neoplasia, type 1 (MEN1). Also called: MEN I; WERMER SYNDROME; Endocrine adenomatosis multiple; MEN 1; MEA I. Identifiers: Orphanet 652, MedGen C0025267, MeSH D018761, MONDO:0007540, OMIM 131100.

Submission:

All of Us Research Program, National Institutes of Health
Classification: Likely benign for Multiple endocrine neoplasia, type 1. Last evaluated: 2023-12-18. Review status: criteria provided, single submitter. Criteria: ACMG Guidelines, 2015. Collection method: clinical testing. Allele origin: germline. Inheritance: Autosomal dominant inheritance. Observed: 1 variant allele, 1 heterozygote.
Comment: This study involves interpretation of variants in research participants for the purpose of population health screening. Participant phenotype was not available at the time of variant classification. Additional details can be found in publication PMID: 35346344, PMCID: PMC8962531